The following is an entry in ClinVar:

NM_000632.4(ITGAM):c.670C>T (p.Arg224Trp)

Gene: ITGAM (integrin subunit alpha M; plus strand). Cytogenetic location: 16p11.2.
Variant type: single nucleotide variant.
Coding change: c.670C>T on transcript NM_000632.4 (MANE Select); coding-DNA position 670, C replaced by T.
Protein change: p.Arg224Trp; replaces arginine 224 with tryptophan.
Molecular consequence: missense variant.
Genome position (GRCh38, 1-based): chr16:31,271,958, C>T. VCF-style: chr16-31271958-C-T. GRCh37 (hg19) VCF-style: chr16-31283279-C-T.
Other names: c.670C>T (NM_000632.3); c.670C>T, p.Arg224Trp (NM_001145808.2); short protein forms R224W.
Identifiers: ClinVar variation 2052559 (VCV002052559.6), dbSNP rs538115597, ClinGen allele CA8025295.

ClinVar aggregate classification (germline): Uncertain significance. Review status: criteria provided, multiple submitters, no conflicts (2 of 4 stars). 2 submissions from 2 submitters: Uncertain significance (2). Last evaluated 2025-07-21.

Allele frequency attached by ClinVar (database versions not stated): TOPMed 0.00006; gnomAD 0.00007; gnomAD exomes 0.00011; ExAC 0.00012; 1000 Genomes Project 30x 0.00016; 1000 Genomes Project 0.00020.

Submissions (2):

Labcorp Genetics (formerly Invitae), Labcorp
Classification: Uncertain significance. Last evaluated: 2025-07-21. Review status: criteria provided, single submitter. Criteria: Invitae Variant Classification Sherloc (09022015). Collection method: clinical testing. Allele origin: germline.
Comment: This sequence change replaces arginine, which is basic and polar, with tryptophan, which is neutral and slightly polar, at codon 224 of the ITGAM protein (p.Arg224Trp). This variant is present in population databases (rs538115597, gnomAD 0.02%). This variant has not been reported in the literature in individuals affected with ITGAM-related conditions. ClinVar contains an entry for this variant (Variation ID: 2052559). An algorithm developed to predict the effect of missense changes on protein structure and function outputs the following: PolyPhen-2: "Benign". The tryptophan amino acid residue is found in multiple mammalian species, which suggests that this missense change does not adversely affect protein function. In summary, the available evidence is currently insufficient to determine the role of this variant in disease. Therefore, it has been classified as a Variant of Uncertain Significance.

Ambry Genetics
Classification: Uncertain significance. Last evaluated: 2023-06-12. Review status: criteria provided, single submitter. Criteria: Ambry Variant Classification Scheme 2023. Collection method: clinical testing. Allele origin: germline.